The following is an entry in ClinVar:

NM_152641.4(ARID2):c.3329G>T (p.Gly1110Val)

Gene: ARID2 (AT-rich interaction domain 2; plus strand). Cytogenetic location: 12q12.
Variant type: single nucleotide variant.
Coding change: c.3329G>T on transcript NM_152641.4 (MANE Select); coding-DNA position 3329, G replaced by T.
Protein change: p.Gly1110Val; replaces glycine 1110 with valine.
Molecular consequence: missense variant.
Genome position (GRCh38, 1-based): chr12:45,851,452, G>T. VCF-style: chr12-45851452-G-T. GRCh37 (hg19) VCF-style: chr12-46245235-G-T.
Other names: c.3329G>T, p.Gly1110Val (NM_001347839.2); short protein forms G1110V.
Identifiers: ClinVar variation 1706346 (VCV001706346.2), dbSNP rs753485118, ClinGen allele CA384484847.

ClinVar aggregate classification (germline): Uncertain significance (1 of 4 stars; one submission).

Submission:

GeneDx
Classification: Uncertain significance. Last evaluated: 2022-03-15. Review status: criteria provided, single submitter. Criteria: GeneDx Variant Classification Process June 2021. Collection method: clinical testing. Allele origin: germline. Affected: yes.
Comment: Not observed at significant frequency in large population cohorts (gnomAD); In silico analysis supports that this missense variant does not alter protein structure/function; Has not been previously reported as a pathogenic or benign germline variant to our knowledge; This variant is associated with the following publications: (PMID: 31173963)